The following is an entry in ClinVar:

ClinVar aggregate classification (germline): VUS-high (1 of 4 stars; one submission).

Conditions:
Short stature-optic atrophy-Pelger-Huët anomaly syndrome. Also called: Short stature, optic nerve atrophy, and Pelger-Huet anomaly; Short stature-optic atrophy-Pelger-HuC+t anomaly syndrome. Identifiers: Orphanet 391677, MedGen C3541319, MONDO:0013889, OMIM 614800.

Submission:

Synevo Romania
Classification: VUS-high for Short stature-optic atrophy-Pelger-Huët anomaly syndrome. Last evaluated: 2026-03-23. Review status: criteria provided, single submitter. Criteria: ACMG Guidelines, 2015. Collection method: clinical testing. Allele origin: inherited. Inheritance: Autosomal recessive inheritance. Observed: 1 variant allele, 1 compound heterozygote.
Comment: The published and predicted evidence for this variant is not sufficient at this time for determining its clinical significance. Predictive analysis suggests a splicing alteration.

NM_015909.4(NBAS):c.6573-1047A>G

Gene: NBAS (NBAS subunit of NRZ tethering complex; minus strand). Cytogenetic location: 2p24.3.
Variant type: single nucleotide variant.
Coding change: c.6573-1047A>G on transcript NM_015909.4 (MANE Select); 1047 bases into the intron before coding-DNA position 6573, A replaced by G.
Molecular consequence: intron variant.
Genome position (GRCh38, 1-based): chr2:15,187,927, T>C on the plus strand (A>G on the coding strand, the complement: NBAS is on the minus strand). VCF-style: chr2-15187927-T-C. GRCh37 (hg19) VCF-style: chr2-15328051-T-C.
Identifiers: ClinVar variation 4851489 (VCV004851489.1).
Genomic context (GRCh38, chr2:15,187,927, plus strand): 5'-GCAAAGCCTTTGTGTCTCAGCTCAAACTGACAATCTGTGCGAACAAAGAACACTGCTTAC[T>C]TCAAGGTACACACAGTTCTGTGAGAGTGTCTGGTGTGCTGAGGAGTCTTCCTACACTCAA-3'